The following is an entry in ClinVar:

ClinVar aggregate classification (germline): Uncertain significance (1 of 4 stars; one submission).

Conditions:
Hereditary pancreatitis (PCTT). Also called: Hereditary chronic pancreatitis; PRSS1-Related Hereditary Pancreatitis. Identifiers: Orphanet 676, MedGen C0238339, MONDO:0008185, OMIM 167800.

gnomAD v4.1: 1 of 1,614,060 alleles (0.000062%); highest among the groups gnomAD compares: Non-Finnish European, 0.000085%; no homozygotes.

Submission:

Ambry Genetics
Classification: Uncertain significance for Hereditary pancreatitis. Last evaluated: 2024-09-05. Review status: criteria provided, single submitter. Criteria: Ambry Variant Classification Scheme 2023. Collection method: clinical testing. Allele origin: germline.
Comment: The p.L128P variant (also known as c.383T>C), located in coding exon 3 of the PRSS1 gene, results from a T to C substitution at nucleotide position 383. The leucine at codon 128 is replaced by proline, an amino acid with similar properties. This amino acid position is conserved. In addition, this alteration is predicted to be deleterious by in silico analysis. Since supporting evidence is limited at this time, the clinical significance of this alteration remains unclear.

NM_002769.5(PRSS1):c.383T>C (p.Leu128Pro)

Genes: TRB (T cell receptor beta locus; plus strand), PRSS1 (serine protease 1; plus strand). Cytogenetic location: 7q34.
Variant type: single nucleotide variant.
Coding change: c.383T>C on transcript NM_002769.5 (MANE Select); coding-DNA position 383, T replaced by C.
Protein change: p.Leu128Pro; replaces leucine 128 with proline.
Molecular consequence: missense variant. On other transcripts: non-coding transcript variant (5).
Genome position (GRCh38, 1-based): chr7:142,751,956, T>C. VCF-style: chr7-142751956-T-C. GRCh37 (hg19) VCF-style: chr7-142459807-T-C.
Other names: short protein forms L128P.
Identifiers: ClinVar variation 1735428 (VCV001735428.3), dbSNP rs749518244, ClinGen allele CA369609012.